The following is an entry in ClinVar:

NM_000540.3(RYR1):c.8771A>G (p.Gln2924Arg)

Gene: RYR1 (ryanodine receptor 1; plus strand). Cytogenetic location: 19q13.2.
Variant type: single nucleotide variant.
Coding change: c.8771A>G on transcript NM_000540.3 (MANE Select); coding-DNA position 8771, A replaced by G.
Protein change: p.Gln2924Arg; replaces glutamine 2924 with arginine.
Molecular consequence: missense variant.
Genome position (GRCh38, 1-based): chr19:38,506,907, A>G. VCF-style: chr19-38506907-A-G. GRCh37 (hg19) VCF-style: chr19-38997547-A-G.
Other names: c.8771A>G, p.Gln2924Arg (NM_001042723.2); short protein forms Q2924R.
Identifiers: ClinVar variation 1353585 (VCV001353585.8), dbSNP rs753533928, ClinGen allele CA072697.

ClinVar aggregate classification (germline): Uncertain significance. Review status: criteria provided, multiple submitters, no conflicts (2 of 4 stars). 3 submissions from 3 submitters: Uncertain significance (3). Last evaluated 2025-06-30.

Conditions:
RYR1-related disorder. Also called: RYR1-related condition; RYR1-related disorders. Identifiers: MedGen CN239331.
Malignant hyperthermia, susceptibility to, 1 (MHS1). Also called: RYR1-Related Malignant Hyperthermia Susceptibility; Malignant hyperthermia suceptibility 1; Anesthesia related hyperthermia; Malignant hyperpyrexia; Fulminating hyperpyrexia; Pharmacogenic myopathy. Identifiers: Orphanet 423, MedGen C2930980, MONDO:0007783, OMIM 145600.

Allele frequency attached by ClinVar (database versions not stated): TOPMed below 0.00001; gnomAD exomes 0.00001 and 0.00002; ExAC 0.00002.
gnomAD v4.1: 6 of 1,613,300 alleles (0.00037%); highest among the groups gnomAD compares: Admixed American, 0.0067%; no homozygotes.

Submissions (3):

Color Diagnostics, LLC DBA Color Health
Classification: Uncertain significance for Malignant hyperthermia, susceptibility to, 1. Last evaluated: 2025-06-30. Review status: criteria provided, single submitter. Criteria: ACMG Guidelines, 2015. Collection method: clinical testing. Allele origin: germline.
Comment: This missense variant replaces glutamine with arginine at codon 2924 of the RYR1 protein. Computational prediction suggests that this variant may not impact protein structure and function. To our knowledge, functional studies have not been reported for this variant. This variant has not been reported in individuals affected with RYR1-related disorders in the literature. This variant has been identified in 4/251362 chromosomes in the general population by the Genome Aggregation Database (gnomAD). The available evidence is insufficient to determine the role of this variant in disease conclusively. Therefore, this variant is classified as a Variant of Uncertain Significance.

Labcorp Genetics (formerly Invitae), Labcorp
Classification: Uncertain significance for RYR1-related disorder. Last evaluated: 2024-12-05. Review status: criteria provided, single submitter. Criteria: Invitae Variant Classification Sherloc (09022015). Collection method: clinical testing. Allele origin: germline.
Comment: This sequence change replaces glutamine, which is neutral and polar, with arginine, which is basic and polar, at codon 2924 of the RYR1 protein (p.Gln2924Arg). This variant is present in population databases (rs753533928, gnomAD 0.01%). This variant has not been reported in the literature in individuals affected with RYR1-related conditions. ClinVar contains an entry for this variant (Variation ID: 1353585). Invitae Evidence Modeling of protein sequence and biophysical properties (such as structural, functional, and spatial information, amino acid conservation, physicochemical variation, residue mobility, and thermodynamic stability) has been performed for this missense variant. However, the output from this modeling did not meet the statistical confidence thresholds required to predict the impact of this variant on RYR1 protein function. In summary, the available evidence is currently insufficient to determine the role of this variant in disease. Therefore, it has been classified as a Variant of Uncertain Significance.

All of Us Research Program, National Institutes of Health
Classification: Uncertain significance for Malignant hyperthermia, susceptibility to, 1. Last evaluated: 2024-09-23. Review status: criteria provided, single submitter. Criteria: ACMG Guidelines, 2015. Collection method: clinical testing. Allele origin: germline. Inheritance: Autosomal dominant inheritance. Observed: 1 variant allele, 1 heterozygote.
Comment: This study involves interpretation of variants in research participants for the purpose of population health screening. Participant phenotype was not available at the time of variant classification. Additional details can be found in publication PMID: 35346344, PMCID: PMC8962531